The following is an entry in ClinVar:

NM_001374736.1(DST):c.4290A>T (p.Arg1430Ser)

Gene: DST (dystonin; minus strand). Cytogenetic location: 6p12.1.
Variant type: single nucleotide variant.
Coding change: c.4290A>T on transcript NM_001374736.1 (MANE Select); coding-DNA position 4290, A replaced by T.
Protein change: p.Arg1430Ser; replaces arginine 1430 with serine.
Molecular consequence: missense variant.
Genome position (GRCh38, 1-based): chr6:56,629,435, T>A on the plus strand (A>T on the coding strand, the complement: DST is on the minus strand). VCF-style: chr6-56629435-T-A. GRCh37 (hg19) VCF-style: chr6-56494233-T-A.
Other names: c.4191A>T, p.Arg1397Ser (NM_001144769.5); c.3777A>T, p.Arg1259Ser (NM_001144770.2); c.4290A>T, p.Arg1430Ser (NM_001374722.1); c.3657A>T, p.Arg1219Ser (NM_001374729.1, NM_001374730.1, NM_001386100.1 and 1 more transcripts); c.4317A>T, p.Arg1439Ser (NM_001374734.1); c.2679A>T, p.Arg893Ser (NM_001723.7, NM_015548.5); short protein forms R1219S, R1259S, R1397S, R1430S, R1439S, R893S.
Identifiers: ClinVar variation 1302328 (VCV001302328.9), dbSNP rs2098759106, ClinGen allele CA364573972.

ClinVar aggregate classification (germline): Uncertain significance. Review status: criteria provided, multiple submitters, no conflicts (2 of 4 stars). 2 submissions from 2 submitters: Uncertain significance (2). Last evaluated 2021-06-12.

Conditions:
Hereditary sensory and autonomic neuropathy type 6. Also called: Neuropathy, hereditary sensory and autonomic, type VI; HSAN VI. Identifiers: Orphanet 314381, MedGen C3539003, MONDO:0013839, OMIM 614653.
Epidermolysis bullosa simplex 3, localized or generalized intermediate, with BP230 deficiency (EBS3). Also called: Epidermolysis bullosa simplex due to BP230 deficiency; Epidermolysis bullosa simplex, autosomal recessive 2. Identifiers: Orphanet 412181, MedGen C3809470, MONDO:0014180, OMIM 615425.

Submissions (2):

Labcorp Genetics (formerly Invitae), Labcorp
Classification: Uncertain significance for Epidermolysis bullosa simplex 3, localized or generalized intermediate, with BP230 deficiency; Hereditary sensory and autonomic neuropathy type 6. Last evaluated: 2021-06-12. Review status: criteria provided, single submitter. Criteria: Invitae Variant Classification Sherloc (09022015). Collection method: clinical testing. Allele origin: germline.
Comment: This sequence change replaces arginine with serine at codon 893 of the DST protein (p.Arg893Ser). The arginine residue is highly conserved and there is a moderate physicochemical difference between arginine and serine. This variant is not present in population databases (ExAC no frequency). This variant has not been reported in the literature in individuals with DST-related conditions. Algorithms developed to predict the effect of missense changes on protein structure and function (SIFT, PolyPhen-2, Align-GVGD) all suggest that this variant is likely to be disruptive, but these predictions have not been confirmed by published functional studies and their clinical significance is uncertain. In summary, the available evidence is currently insufficient to determine the role of this variant in disease. Therefore, it has been classified as a Variant of Uncertain Significance.

GeneDx
Classification: Uncertain significance. Last evaluated: 2019-05-24. Review status: criteria provided, single submitter. Criteria: GeneDx Variant Classification Process June 2021. Collection method: clinical testing. Allele origin: germline. Affected: yes.
Comment: Not observed in large population cohorts (Lek et al., 2016); In silico analysis, which includes protein predictors and evolutionary conservation, supports a deleterious effect; Has not been previously published as pathogenic or benign to our knowledge